The following is an entry in ClinVar:

ClinVar aggregate classification (germline): Uncertain significance (1 of 4 stars; one submission).

Conditions:
Rubinstein-Taybi syndrome (RSTS). Identifiers: Orphanet 783, MedGen C0035934, MONDO:0019188.

Submission:

Labcorp Genetics (formerly Invitae), Labcorp
Classification: Uncertain significance for Rubinstein-Taybi syndrome. Last evaluated: 2024-03-16. Review status: criteria provided, single submitter. Criteria: Invitae Variant Classification Sherloc (09022015). Collection method: clinical testing. Allele origin: germline.
Comment: This sequence change replaces glycine, which is neutral and non-polar, with aspartic acid, which is acidic and polar, at codon 1287 of the CREBBP protein (p.Gly1287Asp). This variant is not present in population databases (gnomAD no frequency). This variant has not been reported in the literature in individuals affected with CREBBP-related conditions. Advanced modeling of protein sequence and biophysical properties (such as structural, functional, and spatial information, amino acid conservation, physicochemical variation, residue mobility, and thermodynamic stability) performed at Invitae indicates that this missense variant is expected to disrupt CREBBP protein function with a positive predictive value of 80%. In summary, the available evidence is currently insufficient to determine the role of this variant in disease. Therefore, it has been classified as a Variant of Uncertain Significance.

NM_004380.3(CREBBP):c.3860G>A (p.Gly1287Asp)

Gene: CREBBP (CREB binding lysine acetyltransferase; minus strand). Cytogenetic location: 16p13.3.
Variant type: single nucleotide variant.
Coding change: c.3860G>A on transcript NM_004380.3 (MANE Select); coding-DNA position 3860, G replaced by A.
Protein change: p.Gly1287Asp; replaces glycine 1287 with aspartic acid.
Molecular consequence: missense variant.
Genome position (GRCh38, 1-based): chr16:3,745,331, C>T on the plus strand (G>A on the coding strand, the complement: CREBBP is on the minus strand). VCF-style: chr16-3745331-C-T. GRCh37 (hg19) VCF-style: chr16-3795332-C-T.
Other names: c.3746G>A, p.Gly1249Asp (NM_001079846.1); short protein forms G1249D, G1287D.
Identifiers: ClinVar variation 3669314 (VCV003669314.2).